The following is an entry in ClinVar:

NM_001256007.3(PNPLA8):c.256C>T (p.Leu86Phe)

Gene: PNPLA8 (patatin like domain 8, phospholipase A2; minus strand). Cytogenetic location: 7q31.1.
Variant type: single nucleotide variant.
Coding change: c.256C>T on transcript NM_001256007.3 (MANE Select); coding-DNA position 256, C replaced by T.
Protein change: p.Leu86Phe; replaces leucine 86 with phenylalanine.
Molecular consequence: missense variant. On other transcripts: 5 prime UTR variant (2).
Genome position (GRCh38, 1-based): chr7:108,515,236, G>A on the plus strand (C>T on the coding strand, the complement: PNPLA8 is on the minus strand). VCF-style: chr7-108515236-G-A. GRCh37 (hg19) VCF-style: chr7-108155680-G-A.
Other names: c.256C>T, p.Leu86Phe (NM_001256008.3, NM_001256009.3, NM_015723.5); c.-45C>T (NM_001256010.3, NM_001256011.3); short protein forms L86F.
Identifiers: ClinVar variation 2009812 (VCV002009812.4), dbSNP rs540840991, ClinGen allele CA4439860.

ClinVar aggregate classification (germline): Uncertain significance (1 of 4 stars; one submission).

Allele frequency attached by ClinVar (database versions not stated): gnomAD 0.00002; gnomAD exomes 0.00002; ExAC 0.00008; 1000 Genomes Project 30x 0.00016; 1000 Genomes Project 0.00020.

Submission:

Labcorp Genetics (formerly Invitae), Labcorp
Classification: Uncertain significance. Last evaluated: 2022-06-23. Review status: criteria provided, single submitter. Criteria: Invitae Variant Classification Sherloc (09022015). Collection method: clinical testing. Allele origin: germline.
Comment: In summary, the available evidence is currently insufficient to determine the role of this variant in disease. Therefore, it has been classified as a Variant of Uncertain Significance. Algorithms developed to predict the effect of missense changes on protein structure and function (SIFT, PolyPhen-2, Align-GVGD) all suggest that this variant is likely to be tolerated. This variant has not been reported in the literature in individuals affected with PNPLA8-related conditions. This variant is present in population databases (rs540840991, gnomAD 0.05%). This sequence change replaces leucine, which is neutral and non-polar, with phenylalanine, which is neutral and non-polar, at codon 86 of the PNPLA8 protein (p.Leu86Phe).